The following is an entry in ClinVar:

NM_001130823.3(DNMT1):c.1043+16T>G

Gene: DNMT1 (DNA methyltransferase 1; minus strand). Cytogenetic location: 19p13.2.
Variant type: single nucleotide variant.
Coding change: c.1043+16T>G on transcript NM_001130823.3 (MANE Select); 16 bases into the intron after coding-DNA position 1043, T replaced by G.
Molecular consequence: intron variant.
Genome position (GRCh38, 1-based): chr19:10,160,368, A>C on the plus strand (T>G on the coding strand, the complement: DNMT1 is on the minus strand). VCF-style: chr19-10160368-A-C. GRCh37 (hg19) VCF-style: chr19-10271044-A-C.
Other names: c.680+16T>G (NM_001318731.2); c.995+16T>G (NM_001379.4, NM_001318730.2).
Identifiers: ClinVar variation 5002812 (VCV005002812.1).
Genomic context (GRCh38, chr19:10,160,368, plus strand): 5'-CCCCTTCCCTTTTGTTCTAGAACCATCATTTTAACATTACCATCTGCTTTCGATAATGTC[A>C]AGAATAAATTCTTACGGTTCTTTGGGGGTCGTTTTGCGTCTCTTCTCCTCCTACACAGGG-3'

ClinVar aggregate classification (germline): Uncertain significance (1 of 4 stars; one submission).

Conditions:
Autosomal dominant cerebellar ataxia, deafness and narcolepsy. Also called: Autosomal Dominant Cerebellar Ataxia, Deafness, and Narcolepsy (ADCA-DN). Identifiers: Orphanet 314404, MedGen C4302668, MONDO:0011397, OMIM 604121.

gnomAD v4.1: 2 of 1,614,182 alleles (0.00012%); highest among the groups gnomAD compares: Middle Eastern, 0.016%; no homozygotes.

Submission:

OLLIN Analises Genomicas, OLLIN
Classification: Uncertain significance for Autosomal dominant cerebellar ataxia, deafness and narcolepsy. Last evaluated: 2026-08-06. Review status: criteria provided, single submitter. Criteria: ACMG Guidelines 2015 PMID 25741868. Collection method: clinical testing. Allele origin: germline. Inheritance: Autosomal dominant inheritance.
Comment: This variant, has been observed in gnomAD with an allele frequency of 0.00012%, but has not been reported in ClinVar or identified in the literature. According to the currently available evidence, this variant has been classified as uncertain significance (PP3).